The following is an entry in ClinVar:

NM_001371986.1(UNC80):c.3251G>A (p.Gly1084Glu)

Gene: UNC80 (unc-80 subunit of NALCN channel complex; plus strand). Cytogenetic location: 2q34.
Variant type: single nucleotide variant.
Coding change: c.3251G>A on transcript NM_001371986.1 (MANE Select); coding-DNA position 3251, G replaced by A.
Protein change: p.Gly1084Glu; replaces glycine 1084 with glutamic acid.
Molecular consequence: missense variant.
Genome position (GRCh38, 1-based): chr2:209,840,542, G>A. VCF-style: chr2-209840542-G-A. GRCh37 (hg19) VCF-style: chr2-210705266-G-A.
Other names: c.3257G>A, p.Arg1086Lys (NM_032504.2); c.3242G>A, p.Arg1081Lys (NM_182587.4); short protein forms R1086K, G1084E, R1081K.
Identifiers: ClinVar variation 1391015 (VCV001391015.6), dbSNP rs2153829280, ClinGen allele CA350730539.

ClinVar aggregate classification (germline): Uncertain significance (1 of 4 stars; one submission).

Submission:

Labcorp Genetics (formerly Invitae), Labcorp
Classification: Uncertain significance. Last evaluated: 2022-06-13. Review status: criteria provided, single submitter. Criteria: Invitae Variant Classification Sherloc (09022015). Collection method: clinical testing. Allele origin: germline.
Comment: Algorithms developed to predict the effect of sequence changes on RNA splicing suggest that this variant may disrupt the consensus splice site. In summary, the available evidence is currently insufficient to determine the role of this variant in disease. Therefore, it has been classified as a Variant of Uncertain Significance. Algorithms developed to predict the effect of missense changes on protein structure and function are either unavailable or do not agree on the potential impact of this missense change (SIFT: "Not Available"; PolyPhen-2: "Benign"; Align-GVGD: "Not Available"). This variant has not been reported in the literature in individuals affected with UNC80-related conditions. This variant is not present in population databases (gnomAD no frequency). This sequence change replaces arginine, which is basic and polar, with lysine, which is basic and polar, at codon 1086 of the UNC80 protein (p.Arg1086Lys).